The following is an entry in ClinVar:

ClinVar aggregate classification (germline): Likely benign (1 of 4 stars; one submission).

gnomAD v4.1: 2,183 of 1,553,942 alleles (0.14%); highest among the groups gnomAD compares: Middle Eastern, 1%; 20 homozygotes.

Submission:

CeGaT Center for Human Genetics Tuebingen
Classification: Likely benign. Last evaluated: 2026-07-01. Review status: criteria provided, single submitter. Criteria: CeGaT Center For Human Genetics Tuebingen Variant Classification Criteria Version 2. Collection method: clinical testing. Allele origin: germline. Affected: yes. Observed: 2 variant alleles.
Comment: MIF: BP4, BP7

NM_002415.2(MIF):c.258G>A (p.Glu86=)

Genes: MIF-AS1 (MIF antisense RNA 1; minus strand), MIF (macrophage migration inhibitory factor; plus strand). Cytogenetic location: 22q11.23.
Variant type: single nucleotide variant.
Coding change: c.258G>A on transcript NM_002415.2 (MANE Select); coding-DNA position 258, G replaced by A.
Protein change: p.Glu86=; no amino-acid change (glutamic acid 86 retained).
Molecular consequence: synonymous variant. On other transcripts: non-coding transcript variant (1).
Genome position (GRCh38, 1-based): chr22:23,894,921, G>A. VCF-style: chr22-23894921-G-A. GRCh37 (hg19) VCF-style: chr22-24237108-G-A.
Identifiers: ClinVar variation 4083799 (VCV004083799.8).